The following is an entry in ClinVar:

NM_001267550.2(TTN):c.47761-15_47761-12del

Genes: TTN (titin; minus strand), TTN-AS1 (TTN antisense RNA 1; plus strand). Cytogenetic location: 2q31.2.
Variant type: Deletion.
Coding change: c.47761-15_47761-12del on transcript NM_001267550.2 (MANE Select); 15 bases into the intron before coding-DNA position 47761 through 12 bases into the intron before coding-DNA position 47761, 4 bases deleted (AATT; older notation c.47761-15_47761-12delAATT).
Molecular consequence: intron variant.
Genome position (GRCh38, 1-based): chr2:178,617,246-178,617,249, AATT deleted on the plus strand (AATT on the coding strand, the reverse complement: TTN is on the minus strand); deleting any 4 consecutive bases within chr2:178,617,246-178,617,252 gives the same sequence; the c. name uses the placement nearest the transcript's 3' end. VCF-style (leftmost placement, unchanged base first): chr2-178617245-GAATT-G. GRCh37 (hg19) VCF-style: chr2-179481972-GAATT-G.
Other names: c.20566-15_20566-12del (NM_003319.4); c.21142-15_21142-12del (NM_133437.4); c.20941-15_20941-12del (NM_133432.3); c.40057-15_40057-12del (NM_133378.4); c.42838-15_42838-12del (NM_001256850.1); c.40057-15_40057-12delAATT (NM_133378.4).
Identifiers: ClinVar variation 1535109 (VCV001535109.10), dbSNP rs778074908, ClinGen allele CA1994978.

ClinVar aggregate classification (germline): Conflicting classifications of pathogenicity. Review status: criteria provided, conflicting classifications (1 of 4 stars). 2 submissions from 2 submitters: Uncertain significance (1); Likely benign (1). Last evaluated 2025-01-06.

Conditions:
Dilated cardiomyopathy 1G (CMD1G). Identifiers: Orphanet 154, MedGen C1858763, MONDO:0011400, OMIM 604145.
Autosomal recessive limb-girdle muscular dystrophy type 2J (LGMDR10). Also called: MUSCULAR DYSTROPHY, LIMB-GIRDLE, AUTOSOMAL RECESSIVE 10; Limb-girdle muscular dystrophy, type 2J. Identifiers: Orphanet 140922, MedGen C1837342, MONDO:0012127, OMIM 608807.

Submissions (2):

Women's Health and Genetics/Laboratory Corporation of America, LabCorp
Classification: Uncertain significance. Last evaluated: 2025-01-06. Review status: criteria provided, single submitter. Criteria: LabCorp Variant Classification Summary - May 2015. Collection method: clinical testing. Allele origin: germline.
Comment: Variant summary: TTN c.40057-15_40057-12delAATT alters a nucleotide located at a position not widely known to affect splicing. Several computational tools predict a significant impact on normal splicing: Two predict the variant weakens a 3' acceptor site. One predicts the variant no significant impact on splicing. However, these predictions have yet to be confirmed by functional studies. The variant allele was found at a frequency of 6.6e-06 in 150850 control chromosomes. The available data on variant occurrences in the general population are insufficient to allow any conclusion about variant significance. To our knowledge, no occurrence of c.40057-15_40057-12delAATT in individuals affected with TTN-related conditions and no experimental evidence demonstrating its impact on protein function have been reported. ClinVar contains an entry for this variant (Variation ID: 1535109). Based on the evidence outlined above, the variant was classified as uncertain significance.

Labcorp Genetics (formerly Invitae), Labcorp
Classification: Likely benign for Dilated cardiomyopathy 1G; Autosomal recessive limb-girdle muscular dystrophy type 2J. Last evaluated: 2024-04-24. Review status: criteria provided, single submitter. Criteria: Invitae Variant Classification Sherloc (09022015). Collection method: clinical testing. Allele origin: germline.